The following is an entry in ClinVar:

NM_003803.4(MYOM1):c.3986C>A (p.Ser1329Tyr)

Gene: MYOM1 (myomesin 1; minus strand). Cytogenetic location: 18p11.31.
Variant type: single nucleotide variant.
Coding change: c.3986C>A on transcript NM_003803.4 (MANE Select); coding-DNA position 3986, C replaced by A.
Protein change: p.Ser1329Tyr; replaces serine 1329 with tyrosine.
Molecular consequence: missense variant.
Genome position (GRCh38, 1-based): chr18:3,090,681, G>T on the plus strand (C>A on the coding strand, the complement: MYOM1 is on the minus strand). VCF-style: chr18-3090681-G-T. GRCh37 (hg19) VCF-style: chr18-3090679-G-T.
Other names: c.3698C>A, p.Ser1233Tyr (NM_019856.2); short protein forms S1329Y, S1233Y.
Identifiers: ClinVar variation 952868 (VCV000952868.9), dbSNP rs772132509, ClinGen allele CA8874109.

ClinVar aggregate classification (germline): Uncertain significance (1 of 4 stars; one submission).

Conditions:
Hypertrophic cardiomyopathy. Also called: HYPERTROPHIC MYOCARDIOPATHY. Identifiers: Orphanet 217569, MedGen C0007194, MeSH D002312, MONDO:0005045, HP:0001639.

Allele frequency attached by ClinVar (database versions not stated): ExAC 0.00001; gnomAD exomes 0.00001 and 0.00003.
gnomAD v4.1: 44 of 1,613,940 alleles (0.0027%); highest among the groups gnomAD compares: Non-Finnish European, 0.0036%; no homozygotes.

Submission:

Labcorp Genetics (formerly Invitae), Labcorp
Classification: Uncertain significance for Hypertrophic cardiomyopathy. Last evaluated: 2025-09-27. Review status: criteria provided, single submitter. Criteria: Invitae Variant Classification Sherloc (09022015). Collection method: clinical testing. Allele origin: germline.
Comment: This sequence change replaces serine, which is neutral and polar, with tyrosine, which is neutral and polar, at codon 1329 of the MYOM1 protein (p.Ser1329Tyr). This variant is present in population databases (rs772132509, gnomAD 0.002%). This variant has not been reported in the literature in individuals affected with MYOM1-related conditions. ClinVar contains an entry for this variant (Variation ID: 952868). Invitae Evidence Modeling of protein sequence and biophysical properties (such as structural, functional, and spatial information, amino acid conservation, physicochemical variation, residue mobility, and thermodynamic stability) has been performed for this missense variant. However, the output from this modeling did not meet the statistical confidence thresholds required to predict the impact of this variant on MYOM1 protein function. In summary, the available evidence is currently insufficient to determine the role of this variant in disease. Therefore, it has been classified as a Variant of Uncertain Significance.